The following is an entry in ClinVar:

ClinVar aggregate classification (germline): Uncertain significance (1 of 4 stars; one submission).

Conditions:
Developmental and epileptic encephalopathy, 33 (DEE33). Also called: Epileptic encephalopathy, early infantile, 33. Identifiers: Orphanet 442835, MedGen C4225337, MONDO:0014625, OMIM 616409.

Submission:

Labcorp Genetics (formerly Invitae), Labcorp
Classification: Uncertain significance for Developmental and epileptic encephalopathy, 33. Last evaluated: 2024-03-04. Review status: criteria provided, single submitter. Criteria: Invitae Variant Classification Sherloc (09022015). Collection method: clinical testing. Allele origin: germline.
Comment: This sequence change replaces valine, which is neutral and non-polar, with leucine, which is neutral and non-polar, at codon 116 of the EEF1A2 protein (p.Val116Leu). This variant is not present in population databases (gnomAD no frequency). This variant has not been reported in the literature in individuals affected with EEF1A2-related conditions. Advanced modeling of protein sequence and biophysical properties (such as structural, functional, and spatial information, amino acid conservation, physicochemical variation, residue mobility, and thermodynamic stability) performed at Invitae indicates that this missense variant is not expected to disrupt EEF1A2 protein function with a negative predictive value of 80%. In summary, the available evidence is currently insufficient to determine the role of this variant in disease. Therefore, it has been classified as a Variant of Uncertain Significance.

NM_001958.5(EEF1A2):c.346G>T (p.Val116Leu)

Gene: EEF1A2 (eukaryotic translation elongation factor 1 alpha 2; minus strand). Cytogenetic location: 20q13.33.
Variant type: single nucleotide variant.
Coding change: c.346G>T on transcript NM_001958.5 (MANE Select); coding-DNA position 346, G replaced by T.
Protein change: p.Val116Leu; replaces valine 116 with leucine.
Molecular consequence: missense variant.
Genome position (GRCh38, 1-based): chr20:63,495,080, C>A on the plus strand (G>T on the coding strand, the complement: EEF1A2 is on the minus strand). VCF-style: chr20-63495080-C-A. GRCh37 (hg19) VCF-style: chr20-62126433-C-A.
Other names: short protein forms V116L.
Identifiers: ClinVar variation 2709353 (VCV002709353.3), dbSNP rs2145944967, ClinGen allele CA409650454.